The following is an entry in ClinVar:

NM_000431.4(MVK):c.1014C>G (p.Gly338=)

Gene: MVK (mevalonate kinase; plus strand). Cytogenetic location: 12q24.11.
Variant type: single nucleotide variant.
Coding change: c.1014C>G on transcript NM_000431.4 (MANE Select); coding-DNA position 1014, C replaced by G.
Protein change: p.Gly338=; no amino-acid change (glycine 338 retained).
Molecular consequence: synonymous variant. On other transcripts: non-coding transcript variant (4).
Genome position (GRCh38, 1-based): chr12:109,595,156, C>G. VCF-style: chr12-109595156-C-G. GRCh37 (hg19) VCF-style: chr12-110032961-C-G.
Other names: c.1014C>G, p.Gly338= (NM_001114185.3, NM_001414511.1, NM_001414513.1); c.858C>G, p.Gly286= (NM_001301182.2, NM_001414514.1); c.1089C>G, p.Gly363= (NM_001414512.1); c.432C>G, p.Gly144= (NM_001414515.1).
Identifiers: ClinVar variation 2942023 (VCV002942023.3), dbSNP rs2548641403, ClinGen allele CA481715315.

ClinVar aggregate classification (germline): Uncertain significance (1 of 4 stars; one submission).

Conditions:
Mevalonic aciduria (MEVA). Identifiers: Orphanet 29, MedGen C1959626, MONDO:0012481, OMIM 610377.
Hyperimmunoglobulin D with periodic fever (HIDS). Also called: HYPERIMMUNOGLOBULINEMIA D AND PERIODIC FEVER SYNDROME; Hyperimmunoglobulinemia D; Hyperimmunoglobulinemia D with periodic fever. Identifiers: Orphanet 343, MedGen C0398691, MONDO:0009849, OMIM 260920.
Porokeratosis 3, disseminated superficial actinic type (POROK3). Also called: POROKERATOSIS, DISSEMINATED SUPERFICIAL ACTINIC, 1; POROKERATOSIS 3, MULTIPLE TYPES; POROKERATOSIS 3, MIBELLI TYPE. Identifiers: MedGen C1867981, MONDO:0008293, OMIM 175900.

Submission:

Labcorp Genetics (formerly Invitae), Labcorp
Classification: Uncertain significance for Mevalonic aciduria; Hyperimmunoglobulin D with periodic fever; Porokeratosis 3, disseminated superficial actinic type. Last evaluated: 2022-12-03. Review status: criteria provided, single submitter. Criteria: Invitae Variant Classification Sherloc (09022015). Collection method: clinical testing. Allele origin: germline.
Comment: In summary, the available evidence is currently insufficient to determine the role of this variant in disease. Therefore, it has been classified as a Variant of Uncertain Significance. Algorithms developed to predict the effect of sequence changes on RNA splicing suggest that this variant may create or strengthen a splice site. This variant has not been reported in the literature in individuals affected with MVK-related conditions. This variant is not present in population databases (gnomAD no frequency). This sequence change affects codon 338 of the MVK mRNA. It is a 'silent' change, meaning that it does not change the encoded amino acid sequence of the MVK protein.